The following is an entry in ClinVar:

ClinVar aggregate classification (germline): Uncertain significance. Review status: criteria provided, multiple submitters, no conflicts (2 of 4 stars). 2 submissions from 2 submitters: Uncertain significance (2). Last evaluated 2025-01-01.

Conditions:
Inborn genetic diseases. Identifiers: MedGen C0950123, MeSH D030342.

Allele frequency attached by ClinVar (database versions not stated): gnomAD exomes below 0.00001; gnomAD 0.00001; TOPMed 0.00003; ESP Exome Variant Server 0.00008.
gnomAD v4.1: 6 of 1,591,946 alleles (0.00038%); highest among the groups gnomAD compares: Admixed American, 0.0017%; no homozygotes.

Submissions (2):

Ambry Genetics
Classification: Uncertain significance for Inborn genetic diseases. Last evaluated: 2025-01-01. Review status: criteria provided, single submitter. Criteria: Ambry Variant Classification Scheme 2023. Collection method: clinical testing. Allele origin: germline.

Labcorp Genetics (formerly Invitae), Labcorp
Classification: Uncertain significance. Last evaluated: 2022-10-31. Review status: criteria provided, single submitter. Criteria: Invitae Variant Classification Sherloc (09022015). Collection method: clinical testing. Allele origin: germline.
Comment: This sequence change replaces alanine, which is neutral and non-polar, with serine, which is neutral and polar, at codon 190 of the PNPT1 protein (p.Ala190Ser). This variant is not present in population databases (gnomAD no frequency). This variant has not been reported in the literature in individuals affected with PNPT1-related conditions. Algorithms developed to predict the effect of missense changes on protein structure and function (SIFT, PolyPhen-2, Align-GVGD) all suggest that this variant is likely to be disruptive. In summary, the available evidence is currently insufficient to determine the role of this variant in disease. Therefore, it has been classified as a Variant of Uncertain Significance.

NM_033109.5(PNPT1):c.568G>T (p.Ala190Ser)

Gene: PNPT1 (polyribonucleotide nucleotidyltransferase 1; minus strand). Cytogenetic location: 2p16.1.
Variant type: single nucleotide variant.
Coding change: c.568G>T on transcript NM_033109.5 (MANE Select); coding-DNA position 568, G replaced by T.
Protein change: p.Ala190Ser; replaces alanine 190 with serine.
Molecular consequence: missense variant.
Genome position (GRCh38, 1-based): chr2:55,679,793, C>A on the plus strand (G>T on the coding strand, the complement: PNPT1 is on the minus strand). VCF-style: chr2-55679793-C-A. GRCh37 (hg19) VCF-style: chr2-55906928-C-A.
Other names: c.568G>T (NM_033109.3); short protein forms A190S.
Identifiers: ClinVar variation 1939796 (VCV001939796.3), dbSNP rs142168803, ClinGen allele CA47664835.